The following is an entry in ClinVar:

ClinVar aggregate classification (germline): Uncertain significance (1 of 4 stars; one submission).

Conditions:
Inborn genetic diseases. Identifiers: MedGen C0950123, MeSH D030342.

Submission:

Ambry Genetics
Classification: Uncertain significance for Inborn genetic diseases. Last evaluated: 2024-10-18. Review status: criteria provided, single submitter. Criteria: Ambry Variant Classification Scheme 2023. Collection method: clinical testing. Allele origin: germline.
Comment: The p.D284Y variant (also known as c.850G>T), located in coding exon 4 of the ATR gene, results from a G to T substitution at nucleotide position 850. The aspartic acid at codon 284 is replaced by tyrosine, an amino acid with highly dissimilar properties. This amino acid position is conserved. In addition, the in silico prediction for this alteration is inconclusive. Based on the available evidence, the clinical significance of this variant remains unclear.

NM_001184.4(ATR):c.850G>T (p.Asp284Tyr)

Gene: ATR (ATR serine/threonine kinase; minus strand). Cytogenetic location: 3q23.
Variant type: single nucleotide variant.
Coding change: c.850G>T on transcript NM_001184.4 (MANE Select); coding-DNA position 850, G replaced by T.
Protein change: p.Asp284Tyr; replaces aspartic acid 284 with tyrosine.
Molecular consequence: missense variant.
Genome position (GRCh38, 1-based): chr3:142,562,552, C>A on the plus strand (G>T on the coding strand, the complement: ATR is on the minus strand). VCF-style: chr3-142562552-C-A. GRCh37 (hg19) VCF-style: chr3-142281394-C-A.
Other names: c.850G>T, p.Asp284Tyr (NM_001354579.2); short protein forms D284Y.
Identifiers: ClinVar variation 3463104 (VCV003463104.1).
Genomic context (GRCh38, chr3:142,562,552, plus strand): 5'-GAAATAGTGTCTTTATCAGCTTTGATAATGGCTCTTCATAGAGTTTCAATTGGTCAGTAT[C>A]CATTTCTACAAGGTGTTTTAATAATTCCAAAAATGAGCTGAAAAAAGTGCTAGCTGGTTG-3'
Protein context (NP_001175.2, residues 274-294): LELLKHLVEM[Asp284Tyr]TDQLKLYEEP